The following is an entry in ClinVar:

ClinVar aggregate classification (germline): Pathogenic (1 of 4 stars; one submission).

Conditions:
Myofibrillar myopathy 5. Also called: Filaminopathy (type); FILAMINOPATHY, AUTOSOMAL DOMINANT. Identifiers: Orphanet 171445, MedGen C1836050, MONDO:0012289, OMIM 609524.
Distal myopathy with posterior leg and anterior hand involvement. Also called: WILLIAMS DISTAL MYOPATHY. Identifiers: Orphanet 63273, MedGen C3279722, MONDO:0013550, OMIM 614065.
Hypertrophic cardiomyopathy 26. Also called: Cardiomyopathy, familial hypertrophic, 26. Identifiers: Orphanet 75249, MedGen C4310749, MONDO:0014883, OMIM 617047.

Submission:

Labcorp Genetics (formerly Invitae), Labcorp
Classification: Pathogenic for Distal myopathy with posterior leg and anterior hand involvement; Myofibrillar myopathy 5; Hypertrophic cardiomyopathy 26. Last evaluated: 2022-08-07. Review status: criteria provided, single submitter. Criteria: Invitae Variant Classification Sherloc (09022015). Collection method: clinical testing. Allele origin: germline.
Comment: This sequence change creates a premature translational stop signal (p.Asp2271Alafs*153) in the FLNC gene. It is expected to result in an absent or disrupted protein product. Loss-of-function variants in FLNC are known to be pathogenic (PMID: 27908349). This variant is not present in population databases (gnomAD no frequency). This variant has not been reported in the literature in individuals affected with FLNC-related conditions. For these reasons, this variant has been classified as Pathogenic.

Literature cited by the submitters: PubMed 27908349.

NM_001458.5(FLNC):c.6812del (p.Asp2271fs)

Genes: FLNC (filamin C; plus strand), FLNC-AS1 (FLNC antisense RNA 1; minus strand). Cytogenetic location: 7q32.1.
Variant type: Deletion.
Coding change: c.6812del on transcript NM_001458.5 (MANE Select); coding-DNA position 6812, one base deleted (A; older notation c.6812delA).
Protein change: p.Asp2271fs; shifts the reading frame from aspartic acid 2271.
Molecular consequence: frameshift variant.
Genome position (GRCh38, 1-based): chr7:128,854,497, A deleted. VCF-style (leftmost placement, unchanged base first): chr7-128854496-GA-G. GRCh37 (hg19) VCF-style: chr7-128494550-GA-G.
Other names: c.6713del, p.Asp2238fs (NM_001127487.2); short protein forms D2271fs, D2238fs.
Identifiers: ClinVar variation 2022526 (VCV002022526.4), dbSNP rs2536665014, ClinGen allele CA2580076527.